The following is an entry in ClinVar:

ClinVar aggregate classification (germline): Pathogenic (1 of 4 stars; one submission).

Submission:

Quest Diagnostics Nichols Institute San Juan Capistrano
Classification: Pathogenic. Last evaluated: 2023-08-11. Review status: criteria provided, single submitter. Criteria: ACMG/ClinGen CNV Guidelines, 2019. Collection method: clinical testing. Allele origin: unknown.
Comment: This loss of Xp22.33 involves SHOX (OMIM 312865), haploinsufficiency of which is associated with a spectrum of phenotypic outcomes ranging from Leri-Weill dyschondrosteosis (LWD; OMIM 127300) to idiopathic familial short stature (OMIM 300582) (ISCA-25281; Alexandrou 2016, Binder 2018, Chen 2009, Van Duyvenvoorde 2014). Thus, this copy number variant is classified as pathogenic. References: Alexandrou et al., J Genet. 2016 Dec;95(4):839-845. PMID: 27994182; Binder et al., GeneReviews. [2018 Jun 28]. PMID: 20301394; Chen et al., J Med Genet. 2009 Dec;46(12):834-9. PMID: 19578035; Van Duyvenvoorde et al., Eur J Hum Genet. 2014 May;22(5):602-9. PMID: 24065112

GRCh37/hg19 Xp22.33(chrX:450941-827222)x1

Variant type: copy number loss.
Change: copy number 1 of chrX:450,941-827,222 (376.3 kb, GRCh37 coordinates, 1-based), cytogenetic band Xp22.33.
Identifiers: ClinVar variation 979643 (VCV000979643.1).